The following is an entry in ClinVar:

ClinVar aggregate classification (germline): Uncertain significance (1 of 4 stars; one submission).

Submission:

Labcorp Genetics (formerly Invitae), Labcorp
Classification: Uncertain significance. Last evaluated: 2025-03-18. Review status: criteria provided, single submitter. Criteria: Invitae Variant Classification Sherloc (09022015). Collection method: clinical testing. Allele origin: germline.
Comment: This sequence change replaces serine, which is neutral and polar, with leucine, which is neutral and non-polar, at codon 377 of the RNF168 protein (p.Ser377Leu). This variant is present in population databases (rs751207004, gnomAD 0.005%). This variant has not been reported in the literature in individuals affected with RNF168-related conditions. An algorithm developed to predict the effect of missense changes on protein structure and function outputs the following: PolyPhen-2: "Benign". The leucine amino acid residue is found in multiple mammalian species, which suggests that this missense change does not adversely affect protein function. In summary, the available evidence is currently insufficient to determine the role of this variant in disease. Therefore, it has been classified as a Variant of Uncertain Significance.

NM_152617.4(RNF168):c.1130C>T (p.Ser377Leu)

Gene: RNF168 (ring finger protein 168; minus strand). Cytogenetic location: 3q29.
Variant type: single nucleotide variant.
Coding change: c.1130C>T on transcript NM_152617.4 (MANE Select); coding-DNA position 1130, C replaced by T.
Protein change: p.Ser377Leu; replaces serine 377 with leucine.
Molecular consequence: missense variant.
Genome position (GRCh38, 1-based): chr3:196,472,405, G>A on the plus strand (C>T on the coding strand, the complement: RNF168 is on the minus strand). VCF-style: chr3-196472405-G-A. GRCh37 (hg19) VCF-style: chr3-196199276-G-A.
Other names: short protein forms S377L.
Identifiers: ClinVar variation 3607210 (VCV003607210.2).
Genomic context (GRCh38, chr3:196,472,405, plus strand): 5'-GCTTCAAAGGAAGATTCTTGGTTTTTTCTTTTGGAAATCTCCTTACTGATCAGTAGGCAC[G>A]ACTCTTCATTTTCTGTCTCACCTGTGTTGTTTCCATTTGTCTGTGTCACCCCTGATGTGG-3'
Protein context (NP_689830.2, residues 367-387): NNTGETENEE[Ser377Leu]CLLISKEISK